The following is an entry in ClinVar:

ClinVar aggregate classification (germline): Pathogenic (1 of 4 stars; one submission).

Submission:

Labcorp Genetics (formerly Invitae), Labcorp
Classification: Pathogenic. Last evaluated: 2023-07-31. Review status: criteria provided, single submitter. Criteria: Invitae Variant Classification Sherloc (09022015). Collection method: clinical testing. Allele origin: unknown.
Comment: For these reasons, this variant has been classified as Pathogenic. This variant has not been reported in the literature in individuals affected with PRDM5-related conditions. This variant is a gross deletion of the genomic region encompassing exon(s) 14 of the PRDM5 gene. This deletion is out-of-frame, and is expected to create a premature termination codon and result in an absent or disrupted protein product. Loss-of-function variants in PRDM5 are known to be pathogenic (PMID: 21664999, 26395458).

Literature cited by the submitters: PubMed 21664999; PubMed 26395458.

NC_000004.11:g.(?_121675688)_(121675813_?)del

Gene: PRDM5 (PR/SET domain 5; minus strand). Cytogenetic location: 4q27.
Variant type: Deletion.
Identifiers: ClinVar variation 3246753 (VCV003246753.1).